The following is an entry in ClinVar:

NM_002435.3(MPI):c.1166del (p.Pro389fs)

Gene: MPI (mannose phosphate isomerase; plus strand). Cytogenetic location: 15q24.1.
Variant type: Deletion.
Coding change: c.1166del on transcript NM_002435.3 (MANE Select); coding-DNA position 1166, one base deleted (C; older notation c.1166delC).
Protein change: p.Pro389fs; shifts the reading frame from proline 389.
Molecular consequence: frameshift variant. On other transcripts: 3 prime UTR variant (1).
Genome position (GRCh38, 1-based): chr15:74,897,624, C deleted; the last of 3 consecutive C bases (chr15:74,897,622-74,897,624); deleting any one gives the same sequence. VCF-style (leftmost placement, unchanged base first): chr15-74897621-TC-T. GRCh37 (hg19) VCF-style: chr15-75189962-TC-T.
Other names: c.*93del (NM_001289155.2); c.1016del, p.Pro339fs (NM_001289156.2); c.983del, p.Pro328fs (NM_001289157.2); c.1106del, p.Pro369fs (NM_001330372.2); short protein forms P328fs, P339fs, P369fs, P389fs.
Identifiers: ClinVar variation 2759540 (VCV002759540.3), dbSNP rs2505831709, ClinGen allele CA2697549221.
Genomic context (GRCh38, chr15:74,897,621, plus strand): 5'-GCATCCTCCTGATGGTACAGGGGACAGTAATAGCCAGCACACCCACAACCCAGACACCAA[TC>T]CCTCTGCAACGTGGTGGCGTGCTCTTCATTGGGGCCAATGAGAGTGTCTCACTGAAGCTT-3'

ClinVar aggregate classification (germline): Pathogenic (1 of 4 stars; one submission).

Conditions:
MPI-congenital disorder of glycosylation. Also called: MANNOSEPHOSPHATE ISOMERASE DEFICIENCY; PROTEIN-LOSING ENTEROPATHY-HEPATIC FIBROSIS SYNDROME; CONGENITAL DISORDER OF GLYCOSYLATION, TYPE Ib; CDG Ib; MPI DEFICIENCY; MPI-CDG. Identifiers: Orphanet 79319, MedGen C1865145, MONDO:0011257, OMIM 602579.

Submission:

Labcorp Genetics (formerly Invitae), Labcorp
Classification: Pathogenic for MPI-congenital disorder of glycosylation. Last evaluated: 2023-09-10. Review status: criteria provided, single submitter. Criteria: Invitae Variant Classification Sherloc (09022015). Collection method: clinical testing. Allele origin: germline.
Comment: For these reasons, this variant has been classified as Pathogenic. This variant disrupts a region of the MPI protein in which other variant(s) (p.Ile398Thr) have been determined to be pathogenic (PMID: 10484808, 30545931). This suggests that this is a clinically significant region of the protein, and that variants that disrupt it are likely to be disease-causing. This variant has not been reported in the literature in individuals affected with MPI-related conditions. This variant is not present in population databases (gnomAD no frequency). This sequence change creates a premature translational stop signal (p.Pro389Leufs*18) in the MPI gene. While this is not anticipated to result in nonsense mediated decay, it is expected to disrupt the last 35 amino acid(s) of the MPI protein.

Literature cited by the submitters: PubMed 10484808; PubMed 30545931.